The following is an entry in ClinVar:

ClinVar aggregate classification (germline): Uncertain significance (1 of 4 stars; one submission).

Conditions:
Cardiovascular phenotype. Identifiers: MedGen CN230736.

gnomAD v4.1: 19 of 1,584,614 alleles (0.0012%); highest among the groups gnomAD compares: East Asian, 0.0068%; no homozygotes.

Submission:

Ambry Genetics
Classification: Uncertain significance for Cardiovascular phenotype. Last evaluated: 2024-07-04. Review status: criteria provided, single submitter. Criteria: Ambry Variant Classification Scheme 2023. Collection method: clinical testing. Allele origin: germline.
Comment: The p.A369V variant (also known as c.1106C>T) is located in coding exon 14 of the TRDN gene. The alanine at codon 369 is replaced by valine, an amino acid with similar properties. This change occurs in the first base pair of coding exon 14. This amino acid position is conserved. In addition, this alteration is predicted to be tolerated by in silico analysis. Based on the available evidence, the clinical significance of this variant remains unclear.

NM_006073.4(TRDN):c.1106C>T (p.Ala369Val)

Gene: TRDN (triadin; minus strand). Cytogenetic location: 6q22.31.
Variant type: single nucleotide variant.
Coding change: c.1106C>T on transcript NM_006073.4 (MANE Select); coding-DNA position 1106, C replaced by T.
Protein change: p.Ala369Val; replaces alanine 369 with valine.
Molecular consequence: missense variant.
Genome position (GRCh38, 1-based): chr6:123,388,551, G>A on the plus strand (C>T on the coding strand, the complement: TRDN is on the minus strand). VCF-style: chr6-123388551-G-A. GRCh37 (hg19) VCF-style: chr6-123709696-G-A.
Other names: c.1109C>T, p.Ala370Val (NM_001251987.2); c.1049C>T, p.Ala350Val (NM_001407315.1); short protein forms A370V, A350V, A369V.
Identifiers: ClinVar variation 3328570 (VCV003328570.2).